The following is an entry in ClinVar:

NM_016363.5(GP6):c.*706G>A

Gene: GP6 (glycoprotein VI platelet; minus strand). Cytogenetic location: 19q13.42.
Variant type: single nucleotide variant.
Coding change: c.*706G>A on transcript NM_016363.5 (MANE Select); 706 bases downstream of the stop codon, G replaced by A.
Molecular consequence: 3 prime UTR variant. On other transcripts: nonsense (1).
Genome position (GRCh38, 1-based): chr19:55,014,215, C>T on the plus strand (G>A on the coding strand, the complement: GP6 is on the minus strand). VCF-style: chr19-55014215-C-T. GRCh37 (hg19) VCF-style: chr19-55525583-C-T.
Other names: c.1730G>A, p.Trp577Ter (NM_001083899.2); c.*706G>A (NM_001256017.2); short protein forms W577*.
Identifiers: ClinVar variation 2028539 (VCV002028539.4), dbSNP rs879022578, ClinGen allele CA310121056.

ClinVar aggregate classification (germline): Uncertain significance (1 of 4 stars; one submission).

Submission:

Labcorp Genetics (formerly Invitae), Labcorp
Classification: Uncertain significance. Last evaluated: 2025-04-07. Review status: criteria provided, single submitter. Criteria: Invitae Variant Classification Sherloc (09022015). Collection method: clinical testing. Allele origin: germline.
Comment: This sequence change creates a premature translational stop signal (p.Trp577*) in the GP6 gene. While this is not anticipated to result in nonsense mediated decay, it is expected to disrupt the last 44 amino acid(s) of the GP6 protein. This variant is not present in population databases (gnomAD no frequency). This variant has not been reported in the literature in individuals affected with GP6-related conditions. ClinVar contains an entry for this variant (Variation ID: 2028539). Experimental studies and prediction algorithms are not available or were not evaluated, and the functional significance of this variant is currently unknown. In summary, the available evidence is currently insufficient to determine the role of this variant in disease. Therefore, it has been classified as a Variant of Uncertain Significance.